The following is an entry in ClinVar:

ClinVar aggregate classification (germline): Uncertain significance. Review status: criteria provided, multiple submitters, no conflicts (2 of 4 stars). 3 submissions from 3 submitters: Uncertain significance (2). 1 of the submissions does not count toward it. Last evaluated 2023-03-01.

Conditions:
KIDINS220-related disorder. Also called: KIDINS220-related condition.
Inborn genetic diseases. Identifiers: MedGen C0950123, MeSH D030342.

Allele frequency attached by ClinVar (database versions not stated): gnomAD 0.00001; ExAC 0.00003; 1000 Genomes Project 0.00020; 1000 Genomes Project 30x 0.00031.
gnomAD v4.1: 40 of 1,613,724 alleles (0.0025%); highest among the groups gnomAD compares: East Asian, 0.016%; no homozygotes.

Submissions (3):

Ambry Genetics
Classification: Uncertain significance for Inborn genetic diseases. Last evaluated: 2023-03-01. Review status: criteria provided, single submitter. Criteria: Ambry Variant Classification Scheme 2023. Collection method: clinical testing. Allele origin: germline.

Labcorp Genetics (formerly Invitae), Labcorp
Classification: Uncertain significance. Last evaluated: 2022-07-19. Review status: criteria provided, single submitter. Criteria: Invitae Variant Classification Sherloc (09022015). Collection method: clinical testing. Allele origin: germline.
Comment: In summary, the available evidence is currently insufficient to determine the role of this variant in disease. Therefore, it has been classified as a Variant of Uncertain Significance. Algorithms developed to predict the effect of missense changes on protein structure and function output the following: SIFT: "Tolerated"; PolyPhen-2: "Not Available"; Align-GVGD: "Class C0". The leucine amino acid residue is found in multiple mammalian species, which suggests that this missense change does not adversely affect protein function. ClinVar contains an entry for this variant (Variation ID: 1394610). This variant has not been reported in the literature in individuals affected with KIDINS220-related conditions. This variant is present in population databases (rs549702212, gnomAD 0.02%). This sequence change replaces serine, which is neutral and polar, with leucine, which is neutral and non-polar, at codon 1194 of the KIDINS220 protein (p.Ser1194Leu).

PreventionGenetics, part of Exact Sciences
Classification: Uncertain significance for KIDINS220-related condition. Last evaluated: 2024-06-16. Review status: no assertion criteria provided. Collection method: clinical testing. Allele origin: germline. Not counted in ClinVar's aggregate classification.
Comment: The KIDINS220 c.3581C>T variant is predicted to result in the amino acid substitution p.Ser1194Leu. To our knowledge, this variant has not been reported in the literature. This variant is reported in 0.020% of alleles in individuals of East Asian descent in gnomAD. At this time, the clinical significance of this variant is uncertain due to the absence of conclusive functional and genetic evidence.

NM_020738.4(KIDINS220):c.3581C>T (p.Ser1194Leu)

Gene: KIDINS220 (kinase D interacting substrate 220; minus strand). Cytogenetic location: 2p25.1.
Variant type: single nucleotide variant.
Coding change: c.3581C>T on transcript NM_020738.4 (MANE Select); coding-DNA position 3581, C replaced by T.
Protein change: p.Ser1194Leu; replaces serine 1194 with leucine.
Molecular consequence: missense variant. On other transcripts: non-coding transcript variant (1), intron variant (11).
Genome position (GRCh38, 1-based): chr2:8,747,149, G>A on the plus strand (C>T on the coding strand, the complement: KIDINS220 is on the minus strand). VCF-style: chr2-8747149-G-A. GRCh37 (hg19) VCF-style: chr2-8887279-G-A.
Other names: c.3584C>T, p.Ser1195Leu (NM_001348729.2); c.3414+2963C>T (NM_001348741.2, NM_001348742.2, NM_001348743.2 and 1 more transcripts); c.3528+738C>T (NM_001348738.2, NM_001348732.2); c.3417+2963C>T (NM_001348739.2, NM_001348740.2, NM_001348734.2); c.3531+738C>T (NM_001348731.2); c.3288+2963C>T (NM_001348736.2); c.3581C>T (NM_020738.2); short protein forms S1194L, S1195L.
Identifiers: ClinVar variation 1394610 (VCV001394610.8), dbSNP rs549702212, ClinGen allele CA1519596.